The following is an entry in ClinVar:

NM_001098511.3(KIF2A):c.247G>A (p.Ala83Thr)

Gene: KIF2A (kinesin family member 2A; plus strand). Cytogenetic location: 5q12.1.
Variant type: single nucleotide variant.
Coding change: c.247G>A on transcript NM_001098511.3 (MANE Select); coding-DNA position 247, G replaced by A.
Protein change: p.Ala83Thr; replaces alanine 83 with threonine.
Molecular consequence: missense variant.
Genome position (GRCh38, 1-based): chr5:62,348,135, G>A. VCF-style: chr5-62348135-G-A. GRCh37 (hg19) VCF-style: chr5-61643962-G-A.
Other names: c.247G>A, p.Ala83Thr (NM_004520.5, NM_001243953.2); c.166G>A, p.Ala56Thr (NM_001243952.2); short protein forms A56T, A83T.
Identifiers: ClinVar variation 1715569 (VCV001715569.5), dbSNP rs3194481, ClinGen allele CA120080352.

ClinVar aggregate classification (germline): Uncertain significance (1 of 4 stars; one submission).

Submission:

Labcorp Genetics (formerly Invitae), Labcorp
Classification: Uncertain significance. Last evaluated: 2024-09-23. Review status: criteria provided, single submitter. Criteria: Invitae Variant Classification Sherloc (09022015). Collection method: clinical testing. Allele origin: germline.
Comment: This sequence change replaces alanine, which is neutral and non-polar, with threonine, which is neutral and polar, at codon 83 of the KIF2A protein (p.Ala83Thr). This variant is not present in population databases (gnomAD no frequency). This variant has not been reported in the literature in individuals affected with KIF2A-related conditions. ClinVar contains an entry for this variant (Variation ID: 1715569). An algorithm developed to predict the effect of missense changes on protein structure and function outputs the following: PolyPhen-2: "Benign". The threonine amino acid residue is found in multiple mammalian species, which suggests that this missense change does not adversely affect protein function. In summary, the available evidence is currently insufficient to determine the role of this variant in disease. Therefore, it has been classified as a Variant of Uncertain Significance.